The following is an entry in ClinVar:

ClinVar aggregate classification (germline): Uncertain significance. Review status: criteria provided, multiple submitters, no conflicts (2 of 4 stars). 2 submissions from 2 submitters: Uncertain significance (2). Last evaluated 2024-12-07.

Conditions:
Inborn genetic diseases. Identifiers: MedGen C0950123, MeSH D030342.
LAMA2-related muscular dystrophy (LAMA2-RD). Also called: Laminin alpha 2-related dystrophy. Identifiers: MedGen C5679788, MONDO:0100228.

Allele frequency attached by ClinVar (database versions not stated): ExAC 0.00003; gnomAD exomes 0.00003 and 0.00006; TOPMed 0.00003; gnomAD 0.00004.
gnomAD v4.1: 92 of 1,612,292 alleles (0.0057%); highest among the groups gnomAD compares: Non-Finnish European, 0.0075%; no homozygotes.

Submissions (2):

Labcorp Genetics (formerly Invitae), Labcorp
Classification: Uncertain significance for LAMA2-related muscular dystrophy. Last evaluated: 2024-12-07. Review status: criteria provided, single submitter. Criteria: Invitae Variant Classification Sherloc (09022015). Collection method: clinical testing. Allele origin: germline.
Comment: This sequence change replaces glycine, which is neutral and non-polar, with cysteine, which is neutral and slightly polar, at codon 2472 of the LAMA2 protein (p.Gly2472Cys). This variant is present in population databases (rs769245429, gnomAD 0.006%). This variant has not been reported in the literature in individuals affected with LAMA2-related conditions. ClinVar contains an entry for this variant (Variation ID: 1508011). Invitae Evidence Modeling of protein sequence and biophysical properties (such as structural, functional, and spatial information, amino acid conservation, physicochemical variation, residue mobility, and thermodynamic stability) has been performed for this missense variant. However, the output from this modeling did not meet the statistical confidence thresholds required to predict the impact of this variant on LAMA2 protein function. In summary, the available evidence is currently insufficient to determine the role of this variant in disease. Therefore, it has been classified as a Variant of Uncertain Significance.

Ambry Genetics
Classification: Uncertain significance for Inborn genetic diseases. Last evaluated: 2024-09-04. Review status: criteria provided, single submitter. Criteria: Ambry Variant Classification Scheme 2023. Collection method: clinical testing. Allele origin: germline.

NM_000426.4(LAMA2):c.7414G>T (p.Gly2472Cys)

Gene: LAMA2 (laminin subunit alpha 2; plus strand). Cytogenetic location: 6q22.33.
Variant type: single nucleotide variant.
Coding change: c.7414G>T on transcript NM_000426.4 (MANE Select); coding-DNA position 7414, G replaced by T.
Protein change: p.Gly2472Cys; replaces glycine 2472 with cysteine.
Molecular consequence: missense variant.
Genome position (GRCh38, 1-based): chr6:129,473,327, G>T. VCF-style: chr6-129473327-G-T. GRCh37 (hg19) VCF-style: chr6-129794472-G-T.
Other names: c.7414G>T, p.Gly2472Cys (NM_001079823.2); c.7414G>T (NM_000426.3); short protein forms G2472C.
Identifiers: ClinVar variation 1508011 (VCV001508011.6), dbSNP rs769245429, ClinGen allele CA3994537.